The following is an entry in ClinVar:

NM_015072.5(TTLL5):c.1551-3T>C

Gene: TTLL5 (tubulin tyrosine ligase like 5; plus strand). Cytogenetic location: 14q24.3.
Variant type: single nucleotide variant.
Coding change: c.1551-3T>C on transcript NM_015072.5 (MANE Select); 3 bases into the intron before coding-DNA position 1551, T replaced by C.
Molecular consequence: intron variant.
Genome position (GRCh38, 1-based): chr14:75,764,612, T>C. VCF-style: chr14-75764612-T-C. GRCh37 (hg19) VCF-style: chr14-76230955-T-C.
Identifiers: ClinVar variation 1929114 (VCV001929114.5), dbSNP rs768672353, ClinGen allele CA7279463.

ClinVar aggregate classification (germline): Uncertain significance (1 of 4 stars; one submission).

Allele frequency attached by ClinVar (database versions not stated): ExAC 0.00001.

Submission:

Labcorp Genetics (formerly Invitae), Labcorp
Classification: Uncertain significance. Last evaluated: 2022-01-11. Review status: criteria provided, single submitter. Criteria: Invitae Variant Classification Sherloc (09022015). Collection method: clinical testing. Allele origin: germline.
Comment: In summary, the available evidence is currently insufficient to determine the role of this variant in disease. Therefore, it has been classified as a Variant of Uncertain Significance. Variants that disrupt the consensus splice site are a relatively common cause of aberrant splicing (PMID: 17576681, 9536098). Algorithms developed to predict the effect of sequence changes on RNA splicing suggest that this variant is not likely to affect RNA splicing. This sequence change falls in intron 18 of the TTLL5 gene. It does not directly change the encoded amino acid sequence of the TTLL5 protein. It affects a nucleotide within the consensus splice site. This variant is present in population databases (rs768672353, gnomAD 0.006%). This variant has not been reported in the literature in individuals affected with TTLL5-related conditions.

Literature cited by the submitters: PubMed 17576681; PubMed 9536098.